The following is an entry in ClinVar:

NM_000256.3(MYBPC3):c.2413+5G>A

Gene: MYBPC3 (myosin binding protein C3; minus strand). Cytogenetic location: 11p11.2.
Variant type: single nucleotide variant.
Coding change: c.2413+5G>A on transcript NM_000256.3 (MANE Select); 5 bases into the intron after coding-DNA position 2413, G replaced by A.
Molecular consequence: intron variant.
Genome position (GRCh38, 1-based): chr11:47,337,685, C>T on the plus strand (G>A on the coding strand, the complement: MYBPC3 is on the minus strand). VCF-style: chr11-47337685-C-T. GRCh37 (hg19) VCF-style: chr11-47359236-C-T.
Identifiers: ClinVar variation 1790909 (VCV001790909.2), dbSNP rs1279089224, ClinGen allele CA676995181.

ClinVar aggregate classification (germline): Uncertain significance (1 of 4 stars; one submission).

Conditions:
Cardiovascular phenotype. Identifiers: MedGen CN230736.

Submission:

Ambry Genetics
Classification: Uncertain significance for Cardiovascular phenotype. Last evaluated: 2018-03-02. Review status: criteria provided, single submitter. Criteria: Ambry Variant Classification Scheme 2023. Collection method: clinical testing. Allele origin: germline.
Comment: The c.2413+5G>A intronic variant results from a G to A substitution 5 nucleotides after coding exon 24 in the MYBPC3 gene. This nucleotide position is highly conserved in available vertebrate species. Using two different splice site prediction tools, this alteration is predicted by BDGP to abolish the native splice donor site, but is predicted to weaken (but not abolish) the efficiency of the native splice donor site by ESEfinder; however, direct evidence is unavailable. Since supporting evidence is limited at this time, the clinical significance of this alteration remains unclear.